The following is an entry in ClinVar:

NM_032638.5(GATA2):c.786C>G (p.Ser262Arg)

Gene: GATA2 (GATA binding protein 2; minus strand). Cytogenetic location: 3q21.3.
Variant type: single nucleotide variant.
Coding change: c.786C>G on transcript NM_032638.5 (MANE Select); coding-DNA position 786, C replaced by G.
Protein change: p.Ser262Arg; replaces serine 262 with arginine.
Molecular consequence: missense variant.
Genome position (GRCh38, 1-based): chr3:128,485,812, G>C on the plus strand (C>G on the coding strand, the complement: GATA2 is on the minus strand). VCF-style: chr3-128485812-G-C. GRCh37 (hg19) VCF-style: chr3-128204655-G-C.
Other names: c.786C>G, p.Ser262Arg (NM_001145661.2, NM_001145662.1); short protein forms S262R.
Identifiers: ClinVar variation 2170389 (VCV002170389.5), dbSNP rs1230448079, ClinGen allele CA354405917.

ClinVar aggregate classification (germline): Uncertain significance. Review status: criteria provided, multiple submitters, no conflicts (2 of 4 stars). 2 submissions from 2 submitters: Uncertain significance (2). Last evaluated 2025-01-02.

Conditions:
Inborn genetic diseases. Identifiers: MedGen C0950123, MeSH D030342.
Monocytopenia with susceptibility to infections. Also called: IMMUNODEFICIENCY 21; COMBINED IMMUNODEFICIENCY WITH SUSCEPTIBILITY TO MYCOBACTERIAL, VIRAL, AND FUNGAL INFECTIONS; MONOCYTOPENIA AND MYCOBACTERIAL INFECTION SYNDROME; MONOCYTOPENIA WITH SUSCEPTIBILITY TO MYCOBACTERIAL, FUNGAL, AND PAPILLOMAVIRUS INFECTIONS AND MYELODYSPLASIA; Dendritic cell, monocyte, B lymphocyte, and natural killer lymphocyte deficiency; GATA2 DEFICIENCY. Identifiers: Orphanet 228423, MedGen C3280030, MONDO:0013607, OMIM 614172.
Deafness-lymphedema-leukemia syndrome. Also called: Lymphedema, primary, with myelodysplasia; Emberger syndrome. Identifiers: Orphanet 3226, MedGen C3279664, MONDO:0013540, OMIM 614038.

Allele frequency attached by ClinVar (database versions not stated): gnomAD exomes below 0.00001.
gnomAD v4.1: 1 of 1,614,030 alleles (0.000062%); highest among the groups gnomAD compares: Non-Finnish European, 0.000085%; no homozygotes.

Submissions (2):

Ambry Genetics
Classification: Uncertain significance for Inborn genetic diseases. Last evaluated: 2025-01-02. Review status: criteria provided, single submitter. Criteria: Ambry Variant Classification Scheme 2023. Collection method: clinical testing. Allele origin: germline.
Comment: The p.S262R variant (also known as c.786C>G), located in coding exon 2 of the GATA2 gene, results from a C to G substitution at nucleotide position 786. The serine at codon 262 is replaced by arginine, an amino acid with dissimilar properties. This amino acid position is not well conserved in available vertebrate species. In addition, the in silico prediction for this alteration is inconclusive. Based on the available evidence, the clinical significance of this variant remains unclear.

Labcorp Genetics (formerly Invitae), Labcorp
Classification: Uncertain significance for Monocytopenia with susceptibility to infections; Deafness-lymphedema-leukemia syndrome. Last evaluated: 2024-05-04. Review status: criteria provided, single submitter. Criteria: Invitae Variant Classification Sherloc (09022015). Collection method: clinical testing. Allele origin: germline.
Comment: This sequence change replaces serine, which is neutral and polar, with arginine, which is basic and polar, at codon 262 of the GATA2 protein (p.Ser262Arg). This variant is not present in population databases (gnomAD no frequency). This variant has not been reported in the literature in individuals affected with GATA2-related conditions. ClinVar contains an entry for this variant (Variation ID: 2170389). Advanced modeling of protein sequence and biophysical properties (such as structural, functional, and spatial information, amino acid conservation, physicochemical variation, residue mobility, and thermodynamic stability) has been performed at Invitae for this missense variant, however the output from this modeling did not meet the statistical confidence thresholds required to predict the impact of this variant on GATA2 protein function. In summary, the available evidence is currently insufficient to determine the role of this variant in disease. Therefore, it has been classified as a Variant of Uncertain Significance.